The following is an entry in ClinVar:

NM_016580.4(PCDH12):c.2021A>C (p.Glu674Ala)

Genes: PCDH12 (protocadherin 12; minus strand), RNF14 (ring finger protein 14; plus strand). Cytogenetic location: 5q31.3.
Variant type: single nucleotide variant.
Coding change: c.2021A>C on transcript NM_016580.4 (MANE Select); coding-DNA position 2021, A replaced by C.
Protein change: p.Glu674Ala; replaces glutamic acid 674 with alanine.
Molecular consequence: missense variant.
Genome position (GRCh38, 1-based): chr5:141,955,831, T>G on the plus strand (A>C on the coding strand, the complement: PCDH12 is on the minus strand). VCF-style: chr5-141955831-T-G. GRCh37 (hg19) VCF-style: chr5-141335396-T-G.
Other names: short protein forms E674A.
Identifiers: ClinVar variation 2164535 (VCV002164535.4), dbSNP rs764684851, ClinGen allele CA3484303.

ClinVar aggregate classification (germline): Uncertain significance (1 of 4 stars; one submission).

Allele frequency attached by ClinVar (database versions not stated): gnomAD exomes 0.00001; ExAC 0.00002; gnomAD 0.00003; TOPMed 0.00003.
gnomAD v4.1: 25 of 1,613,822 alleles (0.0015%); highest among the groups gnomAD compares: Non-Finnish European, 0.0021%; no homozygotes.

Submission:

Labcorp Genetics (formerly Invitae), Labcorp
Classification: Uncertain significance. Last evaluated: 2025-12-20. Review status: criteria provided, single submitter. Criteria: Invitae Variant Classification Sherloc (09022015). Collection method: clinical testing. Allele origin: germline.
Comment: This sequence change replaces glutamic acid, which is acidic and polar, with alanine, which is neutral and non-polar, at codon 674 of the PCDH12 protein (p.Glu674Ala). This variant is present in population databases (rs764684851, gnomAD 0.003%). This variant has not been reported in the literature in individuals affected with PCDH12-related conditions. ClinVar contains an entry for this variant (Variation ID: 2164535). Invitae Evidence Modeling of protein sequence and biophysical properties (such as structural, functional, and spatial information, amino acid conservation, physicochemical variation, residue mobility, and thermodynamic stability) indicates that this missense variant is not expected to disrupt PCDH12 protein function with a negative predictive value of 95%. In summary, the available evidence is currently insufficient to determine the role of this variant in disease. Therefore, it has been classified as a Variant of Uncertain Significance.